The following is an entry in ClinVar:

ClinVar aggregate classification (germline): Benign/Likely benign. Review status: criteria provided, multiple submitters, no conflicts (2 of 4 stars). 6 submissions from 6 submitters: Benign (2); Likely benign (4). Last evaluated 2026-05-01.

Conditions:
Inborn genetic diseases. Identifiers: MedGen C0950123, MeSH D030342.
Cataract 21 multiple types. Also called: CATARACT 21, MULTIPLE TYPES, WITH OR WITHOUT MICROCORNEA; CATARACT 21, CERULEAN, WITH OR WITHOUT MICROCORNEA; CATARACT 21, MULTIPLE TYPES, WITH MICROCORNEA; Cataract, congenital, cerulean type, 4. Identifiers: Orphanet 91492, MedGen C1857768, MONDO:0012437, OMIM 610202.
Ayme-Gripp syndrome. Also called: Aymé-Gripp Syndrome. Identifiers: MedGen C1832812, MONDO:0010992, OMIM 601088.

Allele frequency attached by ClinVar (database versions not stated): ExAC below 0.00001; gnomAD exomes 0.00439; TOPMed 0.00735; gnomAD 0.01232.
gnomAD v4.1: 11,564 of 974,532 alleles (1.2%); highest among the groups gnomAD compares: Non-Finnish European, 1.3%; 82 homozygotes.

Submissions (6):

CeGaT Center for Human Genetics Tuebingen
Classification: Benign. Last evaluated: 2026-05-01. Review status: criteria provided, single submitter. Criteria: CeGaT Center For Human Genetics Tuebingen Variant Classification Criteria Version 2. Collection method: clinical testing. Allele origin: germline. Affected: yes. Observed: 27 variant alleles.
Comment: MAF: BP4, BP7, BS1, BS2

Labcorp Genetics (formerly Invitae), Labcorp
Classification: Likely benign for Cataract 21 multiple types; Ayme-Gripp syndrome. Last evaluated: 2026-01-26. Review status: criteria provided, single submitter. Criteria: Invitae Variant Classification Sherloc (09022015). Collection method: clinical testing. Allele origin: germline.

Blueprint Genetics
Classification: Likely benign. Last evaluated: 2024-11-25. Review status: criteria provided, single submitter. Criteria: ACMG Guidelines, 2015. Collection method: clinical testing. Allele origin: germline.

Ambry Genetics
Classification: Likely benign for Inborn genetic diseases. Last evaluated: 2024-06-07. Review status: criteria provided, single submitter. Criteria: Ambry Variant Classification Scheme 2023. Collection method: clinical testing. Allele origin: germline.

GeneDx
Classification: Benign. Last evaluated: 2021-01-04. Review status: criteria provided, single submitter. Criteria: GeneDx Variant Classification Process June 2021. Collection method: clinical testing. Allele origin: germline. Affected: yes.

PreventionGenetics, part of Exact Sciences
Classification: Likely benign. Review status: criteria provided, single submitter. Criteria: ACMG Guidelines, 2015. Collection method: clinical testing. Allele origin: germline.

NM_005360.5(MAF):c.702A>C (p.Gly234=)

Gene: MAF (MAF bZIP transcription factor; minus strand). Cytogenetic location: 16q23.2.
Variant type: single nucleotide variant.
Coding change: c.702A>C on transcript NM_005360.5 (MANE Select); coding-DNA position 702, A replaced by C.
Protein change: p.Gly234=; no amino-acid change (glycine 234 retained).
Molecular consequence: synonymous variant.
Genome position (GRCh38, 1-based): chr16:79,599,201, T>G on the plus strand (A>C on the coding strand, the complement: MAF is on the minus strand). VCF-style: chr16-79599201-T-G. GRCh37 (hg19) VCF-style: chr16-79633098-T-G.
Other names: c.702A>C, p.Gly234= (NM_001031804.3).
Identifiers: ClinVar variation 259753 (VCV000259753.42), dbSNP rs779108045, ClinGen allele CA8184050.
Genomic context (GRCh38, chr16:79,599,201, plus strand): 5'-GCCGCCGGCGGCGTGGTGCGGGTGCAGGGCGCCCCCCGCCCCCGCCGCGCCCCCGCCGCC[T>G]CCGCCGCCGCCGCCGCCGCCGCCGCCCCCAGCGCTGGCCGGGCCACCGCCGCCCGCGCCC-3'
Protein context (NP_005351.2, residues 224-244): AGGGGGGGGG[Gly234=]GGGGAAGAGG